The following is an entry in ClinVar:

NM_015041.3(CLUAP1):c.403G>A (p.Ala135Thr)

Gene: CLUAP1 (clusterin associated protein 1; plus strand). Cytogenetic location: 16p13.3.
Variant type: single nucleotide variant.
Coding change: c.403G>A on transcript NM_015041.3 (MANE Select); coding-DNA position 403, G replaced by A.
Protein change: p.Ala135Thr; replaces alanine 135 with threonine.
Molecular consequence: missense variant. On other transcripts: intron variant (1).
Genome position (GRCh38, 1-based): chr16:3,512,386, G>A. VCF-style: chr16-3512386-G-A. GRCh37 (hg19) VCF-style: chr16-3562386-G-A.
Other names: c.403G>A, p.Ala135Thr (NM_001330454.2); c.-4+2417G>A (NM_024793.3); short protein forms A135T.
Identifiers: ClinVar variation 1993347 (VCV001993347.4), dbSNP rs2543944455, ClinGen allele CA394512672.

ClinVar aggregate classification (germline): Uncertain significance (1 of 4 stars; one submission).

Submission:

Labcorp Genetics (formerly Invitae), Labcorp
Classification: Uncertain significance. Last evaluated: 2022-05-12. Review status: criteria provided, single submitter. Criteria: Invitae Variant Classification Sherloc (09022015). Collection method: clinical testing. Allele origin: germline.
Comment: In summary, the available evidence is currently insufficient to determine the role of this variant in disease. Therefore, it has been classified as a Variant of Uncertain Significance. Algorithms developed to predict the effect of missense changes on protein structure and function (SIFT, PolyPhen-2, Align-GVGD) all suggest that this variant is likely to be tolerated. This variant has not been reported in the literature in individuals affected with CLUAP1-related conditions. This variant is not present in population databases (gnomAD no frequency). This sequence change replaces alanine, which is neutral and non-polar, with threonine, which is neutral and polar, at codon 135 of the CLUAP1 protein (p.Ala135Thr).